The following is an entry in ClinVar:

ClinVar aggregate classification (germline): Uncertain significance (1 of 4 stars; one submission).

Submission:

GeneDx
Classification: Uncertain significance. Last evaluated: 2025-06-18. Review status: criteria provided, single submitter. Criteria: GeneDx Variant Classification Process June 2021. Collection method: clinical testing. Allele origin: germline. Affected: yes.
Comment: Not observed at significant frequency in large population cohorts (gnomAD); In silico analysis suggests that this missense variant does not alter protein structure/function; Has not been previously published as pathogenic or benign to our knowledge

NM_000240.4(MAOA):c.1318A>G (p.Lys440Glu)

Gene: MAOA (monoamine oxidase A; plus strand). Cytogenetic location: Xp11.3.
Variant type: single nucleotide variant.
Coding change: c.1318A>G on transcript NM_000240.4 (MANE Select); coding-DNA position 1318, A replaced by G.
Protein change: p.Lys440Glu; replaces lysine 440 with glutamic acid.
Molecular consequence: missense variant.
Genome position (GRCh38, 1-based): chrX:43,743,849, A>G. VCF-style: chrX-43743849-A-G. GRCh37 (hg19) VCF-style: chrX-43603096-A-G.
Other names: c.919A>G, p.Lys307Glu (NM_001270458.2); short protein forms K307E, K440E.
Identifiers: ClinVar variation 4538908 (VCV004538908.1).
Genomic context (GRCh38, chrX:43,743,849, plus strand): 5'-TGAAGGGTGATTCGTCAACCCGTGGGCAGGATTTTCTTTGCGGGCACAGAGACTGCCACA[A>G]AGTGGAGCGGCTACATGGAAGGGGCAGTTGAGGCTGGAGAACGAGCAGCTAGGGAGGTAA-3'
Protein context (NP_000231.1, residues 430-450): IFFAGTETAT[Lys440Glu]WSGYMEGAVE